The following is an entry in ClinVar:

NM_001035.3(RYR2):c.12427A>C (p.Lys4143Gln)

Genes: RYR2 (ryanodine receptor 2; plus strand), LOC126806068 (BRD4-independent group 4 enhancer GRCh37_chr1:237947411-237948610; plus strand). Cytogenetic location: 1q43.
Variant type: single nucleotide variant.
Coding change: c.12427A>C on transcript NM_001035.3 (MANE Select); coding-DNA position 12427, A replaced by C.
Protein change: p.Lys4143Gln; replaces lysine 4143 with glutamine.
Molecular consequence: missense variant.
Genome position (GRCh38, 1-based): chr1:237,784,139, A>C. VCF-style: chr1-237784139-A-C. GRCh37 (hg19) VCF-style: chr1-237947439-A-C.
Other names: p.K4143Q:AAA>CAA; c.12427A>C, p.Lys4143Gln (LRG_402t1); short protein forms K4143Q.
Identifiers: ClinVar variation 201332 (VCV000201332.17), dbSNP rs750908017, ClinGen allele CA007522.
Genomic context (GRCh38, chr1:237,784,139, plus strand): 5'-GAGAGCGTCCTGAATTATTTCCAGCCCTTTCTGGGCCGCATCGAAATCATGGGAAGCGCC[A>C]AACGCATCGAGAGGGTCTATTTTGAAATCAGTGAGTCCAGCCGAACCCAGTGGGAGAAGC-3'
Protein context (NP_001026.2, residues 4133-4153): LGRIEIMGSA[Lys4143Gln]RIERVYFEIS

ClinVar aggregate classification (germline): Conflicting classifications of pathogenicity. Review status: criteria provided, conflicting classifications (1 of 4 stars). 4 submissions from 4 submitters: Uncertain significance (3); Benign (1). Last evaluated 2025-12-11.

Conditions:
Catecholaminergic polymorphic ventricular tachycardia (CVPT). Also called: Catecholamine-induced polymorphic ventricular tachycardia. Identifiers: Orphanet 3286, MedGen C5574922, MONDO:0017990.
Cardiomyopathy (CMYO). Also called: Cardiomyopathies. Identifiers: Orphanet 167848, MedGen C0878544, MONDO:0004994, HP:0001638. Inheritance: Various modes of inheritance.
Catecholaminergic polymorphic ventricular tachycardia 1. Also called: RYR2-Related Catecholaminergic Polymorphic Ventricular Tachycardia; VENTRICULAR TACHYCARDIA, CATECHOLAMINERGIC POLYMORPHIC, 1, WITH OR WITHOUT ATRIAL DYSFUNCTION AND/OR DILATED CARDIOMYOPATHY; VENTRICULAR TACHYCARDIA, STRESS-INDUCED POLYMORPHIC 1. Identifiers: Orphanet 3286, MedGen C1631597, MONDO:0011484, OMIM 604772.

Allele frequency attached by ClinVar (database versions not stated): gnomAD 0.00001; TOPMed 0.00001; gnomAD exomes 0.00002 and 0.00004.
gnomAD v4.1: 30 of 1,614,020 alleles (0.0019%); highest among the groups gnomAD compares: Middle Eastern, 0.033%; 2 homozygotes.

Submissions (4):

Color Diagnostics, LLC DBA Color Health
Classification: Uncertain significance for Cardiomyopathy. Last evaluated: 2025-12-11. Review status: criteria provided, single submitter. Criteria: ACMG Guidelines, 2015. Collection method: clinical testing. Allele origin: germline.
Comment: This missense variant replaces lysine with glutamine at codon 4143 of the RYR2 protein. Computational prediction suggests that this variant may have deleterious impact on protein structure and function. To our knowledge, functional studies have not been reported for this variant. This variant has not been reported in individuals affected with RYR2-related disorders in the literature. This variant has been identified in 30/1614020 chromosomes in the general population by the Genome Aggregation Database (gnomAD). The available evidence is insufficient to determine the role of this variant in disease conclusively. Therefore, this variant is classified as a Variant of Uncertain Significance.

Labcorp Genetics (formerly Invitae), Labcorp
Classification: Benign for Catecholaminergic polymorphic ventricular tachycardia 1. Last evaluated: 2025-05-02. Review status: criteria provided, single submitter. Criteria: Invitae Variant Classification Sherloc (09022015). Collection method: clinical testing. Allele origin: germline.

All of Us Research Program, National Institutes of Health
Classification: Uncertain significance for Catecholaminergic polymorphic ventricular tachycardia. Last evaluated: 2024-08-06. Review status: criteria provided, single submitter. Criteria: ACMG Guidelines, 2015. Collection method: clinical testing. Allele origin: germline. Inheritance: Autosomal dominant inheritance. Observed: 6 variant alleles, 6 heterozygotes.
Comment: This missense variant replaces lysine with glutamine at codon 4143 of the RYR2 protein. Computational prediction suggests that this variant may have deleterious impact on protein structure and function (internally defined REVEL score threshold >= 0.7, PMID: 27666373). To our knowledge, functional studies have not been reported for this variant. This variant has not been reported in individuals affected with cardiovascular disorders in the literature. This variant has been identified in 10/248794 chromosomes in the general population by the Genome Aggregation Database (gnomAD). The available evidence is insufficient to determine the role of this variant in disease conclusively. Therefore, this variant is classified as a Variant of Uncertain Significance.

This study involves interpretation of variants in research participants for the purpose of population health screening. Participant phenotype was not available at the time of variant classification. Additional details can be found in publication PMID: 35346344, PMCID: PMC8962531

GeneDx
Classification: Uncertain significance. Last evaluated: 2022-12-21. Review status: criteria provided, single submitter. Criteria: GeneDx Variant Classification Process June 2021. Collection method: clinical testing. Allele origin: germline. Affected: yes.
Comment: Has not been previously published as pathogenic or benign to our knowledge; In silico analysis supports that this missense variant has a deleterious effect on protein structure/function